The following is an entry in ClinVar:

NM_001303052.2(MYT1L):c.3080+1369A>G

Gene: MYT1L (myelin transcription factor 1 like; minus strand). Cytogenetic location: 2p25.3.
Variant type: single nucleotide variant.
Coding change: c.3080+1369A>G on transcript NM_001303052.2 (MANE Select); 1369 bases into the intron after coding-DNA position 3080, A replaced by G.
Molecular consequence: intron variant.
Genome position (GRCh38, 1-based): chr2:1,837,780, T>C on the plus strand (A>G on the coding strand, the complement: MYT1L is on the minus strand). VCF-style: chr2-1837780-T-C. GRCh37 (hg19) VCF-style: chr2-1841552-T-C.
Other names: c.3074+1369A>G (NM_015025.4, NM_001329847.2, NM_001329848.1 and 3 more transcripts); c.3080+1369A>G (NM_001329844.2, NM_001329845.1, NM_001329851.3).
Identifiers: ClinVar variation 2650620 (VCV002650620.24), dbSNP rs2550325382, ClinGen allele CA2695200416.

ClinVar aggregate classification (germline): Likely benign (1 of 4 stars; one submission).

Submission:

CeGaT Center for Human Genetics Tuebingen
Classification: Likely benign. Last evaluated: 2023-01-01. Review status: criteria provided, single submitter. Criteria: CeGaT Center For Human Genetics Tuebingen Variant Classification Criteria Version 2. Collection method: clinical testing. Allele origin: germline. Affected: yes. Observed: 1 variant allele.
Comment: MYT1L: PM2:Supporting, BP4, BP7